The following is an entry in ClinVar:

NM_004706.4(ARHGEF1):c.1426G>A (p.Asp476Asn)

Gene: ARHGEF1 (Rho guanine nucleotide exchange factor 1; plus strand). Cytogenetic location: 19q13.2.
Variant type: single nucleotide variant.
Coding change: c.1426G>A on transcript NM_004706.4 (MANE Select); coding-DNA position 1426, G replaced by A.
Protein change: p.Asp476Asn; replaces aspartic acid 476 with asparagine.
Molecular consequence: missense variant. On other transcripts: non-coding transcript variant (2).
Genome position (GRCh38, 1-based): chr19:41,902,285, G>A. VCF-style: chr19-41902285-G-A. GRCh37 (hg19) VCF-style: chr19-42406435-G-A.
Other names: c.1594G>A, p.Asp532Asn (NM_001396000.1); c.1327G>A, p.Asp443Asn (NM_001396002.1, NM_001396004.1, NM_198977.2); c.1426G>A, p.Asp476Asn (NM_001396003.1, NM_001396006.1); c.1471G>A, p.Asp491Asn (NM_199002.2); short protein forms D532N, D476N, D443N, D491N.
Identifiers: ClinVar variation 2167186 (VCV002167186.4), dbSNP rs372151277, ClinGen allele CA9466372.
Genomic context (GRCh38, chr19:41,902,285, plus strand): 5'-AGCATCTTCCAGACCCTGGTGGAGCATCCCTTTCCTCCTGCCCCCACAGCCCTGTTCCTC[G>A]ATCGCCTGATGAAGCGGAGGCAGGAGAGTGGCTACCTCATCGAGGAGATCGGAGACGTGC-3'
Protein context (NP_004697.2, residues 466-486): ELIEVHSLFL[Asp476Asn]RLMKRRQESG

ClinVar aggregate classification (germline): Uncertain significance (1 of 4 stars; one submission).

Allele frequency attached by ClinVar (database versions not stated): gnomAD 0.00001; ExAC 0.00002.
gnomAD v4.1: 4 of 1,614,022 alleles (0.00025%); highest among the groups gnomAD compares: East Asian, 0.0022%; no homozygotes.

Submission:

Labcorp Genetics (formerly Invitae), Labcorp
Classification: Uncertain significance. Last evaluated: 2022-10-20. Review status: criteria provided, single submitter. Criteria: Invitae Variant Classification Sherloc (09022015). Collection method: clinical testing. Allele origin: germline.
Comment: In summary, the available evidence is currently insufficient to determine the role of this variant in disease. Therefore, it has been classified as a Variant of Uncertain Significance. Algorithms developed to predict the effect of missense changes on protein structure and function are either unavailable or do not agree on the potential impact of this missense change (SIFT: "Deleterious"; PolyPhen-2: "Benign"; Align-GVGD: "Class C0"). This sequence change replaces aspartic acid, which is acidic and polar, with asparagine, which is neutral and polar, at codon 491 of the ARHGEF1 protein (p.Asp491Asn). This variant is present in population databases (rs372151277, gnomAD 0.008%). This variant has not been reported in the literature in individuals affected with ARHGEF1-related conditions.